The following is an entry in ClinVar:

NM_000632.4(ITGAM):c.890G>A (p.Arg297His)

Gene: ITGAM (integrin subunit alpha M; plus strand). Cytogenetic location: 16p11.2.
Variant type: single nucleotide variant.
Coding change: c.890G>A on transcript NM_000632.4 (MANE Select); coding-DNA position 890, G replaced by A.
Protein change: p.Arg297His; replaces arginine 297 with histidine.
Molecular consequence: missense variant.
Genome position (GRCh38, 1-based): chr16:31,275,580, G>A. VCF-style: chr16-31275580-G-A. GRCh37 (hg19) VCF-style: chr16-31286901-G-A.
Other names: c.890G>A, p.Arg297His (NM_001145808.2); c.890G>A (NM_000632.3); short protein forms R297H.
Identifiers: ClinVar variation 1348524 (VCV001348524.10), dbSNP rs369423012, ClinGen allele CA8025369.

ClinVar aggregate classification (germline): Uncertain significance. Review status: criteria provided, multiple submitters, no conflicts (2 of 4 stars). 3 submissions from 3 submitters: Uncertain significance (3). Last evaluated 2025-11-03.

Allele frequency attached by ClinVar (database versions not stated): gnomAD exomes 0.00001 and 0.00003; gnomAD 0.00003; TOPMed 0.00003; ExAC 0.00007.
gnomAD v4.1: 50 of 1,613,890 alleles (0.0031%); highest among the groups gnomAD compares: East Asian, 0.0089%; 2 homozygotes.

Submissions (3):

Labcorp Genetics (formerly Invitae), Labcorp
Classification: Uncertain significance. Last evaluated: 2025-11-03. Review status: criteria provided, single submitter. Criteria: Invitae Variant Classification Sherloc (09022015). Collection method: clinical testing. Allele origin: germline.
Comment: This sequence change replaces arginine, which is basic and polar, with histidine, which is basic and polar, at codon 297 of the ITGAM protein (p.Arg297His). This variant is present in population databases (rs369423012, gnomAD 0.03%). This variant has not been reported in the literature in individuals affected with ITGAM-related conditions. ClinVar contains an entry for this variant (Variation ID: 1348524). An algorithm developed to predict the effect of missense changes on protein structure and function outputs the following: PolyPhen-2: "Benign". The histidine amino acid residue is found in multiple mammalian species, which suggests that this missense change does not adversely affect protein function. In summary, the available evidence is currently insufficient to determine the role of this variant in disease. Therefore, it has been classified as a Variant of Uncertain Significance.

Ambry Genetics
Classification: Uncertain significance. Last evaluated: 2024-12-31. Review status: criteria provided, single submitter. Criteria: Ambry Variant Classification Scheme 2023. Collection method: clinical testing. Allele origin: germline.

Revvity Omics, Revvity
Classification: Uncertain significance. Last evaluated: 2021-11-11. Review status: criteria provided, single submitter. Criteria: ACMG Guidelines, 2015. Collection method: clinical testing. Allele origin: germline.